The following is an entry in ClinVar:

NM_004946.3(DOCK2):c.2800-48477A>G

Genes: DOCK2 (dedicator of cytokinesis 2; plus strand), INSYN2B (inhibitory synaptic factor family member 2B; minus strand). Cytogenetic location: 5q35.1.
Variant type: single nucleotide variant.
Coding change: c.2800-48477A>G on transcript NM_004946.3 (MANE Select); 48477 bases into the intron before coding-DNA position 2800, A replaced by G.
Molecular consequence: intron variant.
Genome position (GRCh38, 1-based): chr5:169,934,591, A>G. VCF-style: chr5-169934591-A-G. GRCh37 (hg19) VCF-style: chr5-169361595-A-G.
Other names: c.-919+45705T>C (NM_001346304.2); c.-919+45686T>C (NM_001129891.3).
Identifiers: ClinVar variation 2687929 (VCV002687929.2), dbSNP rs259897, ClinGen allele CA12125782.
Genomic context (GRCh38, chr5:169,934,591, plus strand): 5'-AGCCTAATTGTATGCGCTACATTCACACACACCTGGATCTAAATCCTGCTCTTTGCTTCC[A>G]GGCTGTCTGACCTTGGGCAAGATACTTCCCCTTGCTAAGTCTTGTCTCCTTCCTTTCTAG-3'

ClinVar aggregate classification (germline): Benign (1 of 4 stars; one submission).

Allele frequency attached by ClinVar (database versions not stated): gnomAD exomes 0.11133; gnomAD 0.20883; 1000 Genomes Project 0.21725; TOPMed 0.22180; 1000 Genomes Project 30x 0.22580.
gnomAD v4.1: 65,367 of 453,364 alleles (14%); highest among the groups gnomAD compares: African/African-American, 46%; 7,693 homozygotes.

Submission:

Unidad de Genómica Garrahan, Hospital de Pediatría Garrahan
Classification: Benign. Last evaluated: 2024-01-24. Review status: criteria provided, single submitter. Criteria: ACMG Guidelines, 2015. Collection method: clinical testing. Allele origin: germline. Affected: no. Observed: 19 variant alleles.
Comment: This variant is classified as Benign based on local population frequency. This variant was detected in 20% of patients studied by a panel of primary immunodeficiencies. Number of patients: 19. Only high quality variants are reported.